The following is an entry in ClinVar:

NM_152419.3(HGSNAT):c.119-11A>G

Gene: HGSNAT (heparan-alpha-glucosaminide N-acetyltransferase; plus strand). Cytogenetic location: 8p11.21.
Variant type: single nucleotide variant.
Coding change: c.119-11A>G on transcript NM_152419.3 (MANE Select); 11 bases into the intron before coding-DNA position 119, A replaced by G.
Molecular consequence: intron variant.
Genome position (GRCh38, 1-based): chr8:43,146,937, A>G. VCF-style: chr8-43146937-A-G. GRCh37 (hg19) VCF-style: chr8-43002080-A-G.
Other names: c.119-11A>G (NM_001363227.2, NM_001363228.2); c.-715-11A>G (NM_001363229.2).
Identifiers: ClinVar variation 5003478 (VCV005003478.1).
Genomic context (GRCh38, chr8:43,146,937, plus strand): 5'-TGTACTTTGTCTCTAACACATCTTTCGGGTGCCTTTTTTTTTTTTTTTTAACTTTTCCTA[A>G]TTTCTACCAGACTTAGACAAAAAAAGACATGCAGAGCTGAAGATGGATCAGGCTTTGCTA-3'

ClinVar aggregate classification (germline): Uncertain significance (1 of 4 stars; one submission).

Conditions:
Mucopolysaccharidosis, MPS-III-C (MPS3C). Also called: SANFILIPPO SYNDROME C; MUCOPOLYSACCHARIDOSIS, TYPE IIIC; Mucopolysaccharidosis type IIIC (Sanfilippo C); MPS IIIC (Sanfilippo Syndrome Type C); mucopolysaccharidosis type 3C; MPS III C. Identifiers: Orphanet 581, Orphanet 79271, MedGen C0086649, MONDO:0009657, OMIM 252930.

gnomAD v4.1: 5 of 1,478,694 alleles (0.00034%); highest among the groups gnomAD compares: East Asian, 0.0092%; no homozygotes.

Submission:

Myriad Genetics, Inc.
Classification: Uncertain significance for Mucopolysaccharidosis, MPS-III-C. Last evaluated: 2025-11-05. Review status: criteria provided, single submitter. Criteria: Myriad Autosomal Dominant, Autosomal Recessive and X-Linked Classification Criteria (2023). Collection method: clinical testing. Allele origin: unknown.
Comment: NM_152419.2(HGSNAT):c.119-11A>G is an intronic variant classified as a variant of uncertain significance in the context of mucopolysaccharidosis type IIIC. c.119-11A>G has not been observed in cases with relevant disease. Relevant functional assessments of this variant are not available in the literature. c.119-11A>G has been observed in referenced population frequency databases. In summary, there is insufficient evidence to classify NM_152419.2(HGSNAT):c.119-11A>G as pathogenic or benign. Please note: this variant was assessed in the context of healthy population screening.